The following is an entry in ClinVar:

NM_003285.3(TNR):c.1305G>A (p.Trp435Ter)

Gene: TNR (tenascin R; minus strand). Cytogenetic location: 1q25.1.
Variant type: single nucleotide variant.
Coding change: c.1305G>A on transcript NM_003285.3 (MANE Select); coding-DNA position 1305, G replaced by A.
Protein change: p.Trp435Ter; replaces tryptophan 435 with a stop codon.
Molecular consequence: nonsense.
Genome position (GRCh38, 1-based): chr1:175,393,831, C>T on the plus strand (G>A on the coding strand, the complement: TNR is on the minus strand). VCF-style: chr1-175393831-C-T. GRCh37 (hg19) VCF-style: chr1-175362967-C-T.
Other names: c.306G>A, p.Trp102Ter (NM_001328635.2); short protein forms W102*, W435*.
Identifiers: ClinVar variation 3341364 (VCV003341364.1).

ClinVar aggregate classification (germline): Likely pathogenic (1 of 4 stars; one submission).

Conditions:
Neurodevelopmental disorder, nonprogressive, with spasticity and transient opisthotonus. Identifiers: MedGen C5562040, MONDO:0859212, OMIM 619653.

Submission:

Neuberg Centre For Genomic Medicine, NCGM
Classification: Likely pathogenic for Neurodevelopmental disorder, nonprogressive, with spasticity and transient opisthotonus. Last evaluated: 2023-05-20. Review status: criteria provided, single submitter. Criteria: ACMG Guidelines, 2015. Collection method: clinical testing. Allele origin: germline. Inheritance: Autosomal recessive inheritance. Affected: yes.
Comment: The observed stop gained variant c.1305G>A(p.Trp435Ter) in TNR gene has not been reported previously as a pathogenic variant nor as a benign variant, to our knowledge. The c.1305G>A variant is absent in gnomAD Exomes. Computational evidence (Mutation Taster - Disease causing) predicts damaging effect on protein structure and function for this variant.This variant is predicted to cause loss of normal protein function through protein truncation. Loss of function variants have been previously reported to be disease causing (Wagner M, et al., 2020). For these reasons, this variant has been classified as Likely Pathogenic. In the absence of another reportable variant, the molecular diagnosis is not confirmed.